The following is an entry in ClinVar:

NM_001698.3(AUH):c.740A>C (p.Glu247Ala)

Gene: AUH (AU RNA binding methylglutaconyl-CoA hydratase; minus strand). Cytogenetic location: 9q22.31.
Variant type: single nucleotide variant.
Coding change: c.740A>C on transcript NM_001698.3 (MANE Select); coding-DNA position 740, A replaced by C.
Protein change: p.Glu247Ala; replaces glutamic acid 247 with alanine.
Molecular consequence: missense variant.
Genome position (GRCh38, 1-based): chr9:91,220,908, T>G on the plus strand (A>C on the coding strand, the complement: AUH is on the minus strand). VCF-style: chr9-91220908-T-G. GRCh37 (hg19) VCF-style: chr9-93983190-T-G.
Other names: c.653A>C, p.Glu218Ala (NM_001306190.2); c.413A>C, p.Glu138Ala (NM_001351431.2, NM_001351432.2, NM_001351433.2); short protein forms E138A, E247A, E218A.
Identifiers: ClinVar variation 1981518 (VCV001981518.5), dbSNP rs1827096246, ClinGen allele CA373835210.

ClinVar aggregate classification (germline): Uncertain significance. Review status: criteria provided, multiple submitters, no conflicts (2 of 4 stars). 2 submissions from 2 submitters: Uncertain significance (2). Last evaluated 2024-10-30.

Conditions:
3-methylglutaconic aciduria type 1 (MGCA1). Identifiers: Orphanet 67046, MedGen C0342727, MONDO:0009610, OMIM 250950.

gnomAD v4.1: 2 of 1,614,248 alleles (0.00012%); highest among the groups gnomAD compares: Non-Finnish European, 0.00017%; no homozygotes.

Submissions (2):

GeneDx
Classification: Uncertain significance. Last evaluated: 2024-10-30. Review status: criteria provided, single submitter. Criteria: GeneDx Variant Classification Process June 2021. Collection method: clinical testing. Allele origin: germline. Affected: yes.
Comment: Not observed at significant frequency in large population cohorts (gnomAD); In silico analysis supports that this missense variant has a deleterious effect on protein structure/function; Has not been previously published as pathogenic or benign to our knowledge

Labcorp Genetics (formerly Invitae), Labcorp
Classification: Uncertain significance for 3-methylglutaconic aciduria type 1. Last evaluated: 2022-02-28. Review status: criteria provided, single submitter. Criteria: Invitae Variant Classification Sherloc (09022015). Collection method: clinical testing. Allele origin: germline.
Comment: In summary, the available evidence is currently insufficient to determine the role of this variant in disease. Therefore, it has been classified as a Variant of Uncertain Significance. Algorithms developed to predict the effect of missense changes on protein structure and function output the following: SIFT: "Tolerated"; PolyPhen-2: "Benign"; Align-GVGD: "Class C0". The alanine amino acid residue is found in multiple mammalian species, which suggests that this missense change does not adversely affect protein function. This variant has not been reported in the literature in individuals affected with AUH-related conditions. This variant is not present in population databases (gnomAD no frequency). This sequence change replaces glutamic acid, which is acidic and polar, with alanine, which is neutral and non-polar, at codon 247 of the AUH protein (p.Glu247Ala).